The following is an entry in ClinVar:

ClinVar aggregate classification (germline): Uncertain significance (1 of 4 stars; one submission).

Submission:

GeneDx
Classification: Uncertain significance. Last evaluated: 2023-05-02. Review status: criteria provided, single submitter. Criteria: GeneDx Variant Classification Process June 2021. Collection method: clinical testing. Allele origin: germline. Affected: yes.
Comment: Not observed at significant frequency in large population cohorts (gnomAD); In silico analysis supports that this missense variant has a deleterious effect on protein structure/function; Has not been previously published as pathogenic or benign to our knowledge

NM_002224.4(ITPR3):c.563T>G (p.Val188Gly)

Gene: ITPR3 (inositol 1,4,5-trisphosphate receptor type 3; plus strand). Cytogenetic location: 6p21.31.
Variant type: single nucleotide variant.
Coding change: c.563T>G on transcript NM_002224.4 (MANE Select); coding-DNA position 563, T replaced by G.
Protein change: p.Val188Gly; replaces valine 188 with glycine.
Molecular consequence: missense variant.
Genome position (GRCh38, 1-based): chr6:33,659,055, T>G. VCF-style: chr6-33659055-T-G. GRCh37 (hg19) VCF-style: chr6-33626832-T-G.
Other names: short protein forms V188G.
Identifiers: ClinVar variation 2662875 (VCV002662875.1), dbSNP rs2532999434, ClinGen allele CA363684337.
Genomic context (GRCh38, chr6:33,659,055, plus strand): 5'-CTAACCTGTCCCACCTGTCTGCTCAGGTGGTCGTGGGGGACAAGGTGATCCTGAATCCTG[T>G]CAATGCCGGGCAGCCTCTGCATGCCAGCAATTACGAGCTCAGCGACAACGCCGGCTGCAA-3'
Protein context (NP_002215.2, residues 178-198): VVGDKVILNP[Val188Gly]NAGQPLHASN